The following is an entry in ClinVar:

ClinVar aggregate classification (germline): Likely benign. Review status: criteria provided, multiple submitters, no conflicts (2 of 4 stars). 2 submissions from 2 submitters: Likely benign (2). Last evaluated 2024-05-13.

Allele frequency attached by ClinVar (database versions not stated): TOPMed 0.00012; gnomAD exomes 0.00020; ESP Exome Variant Server 0.00031.
gnomAD v4.1: 323 of 1,612,874 alleles (0.02%); highest among the groups gnomAD compares: Non-Finnish European, 0.019%; no homozygotes.

Submissions (2):

Blueprint Genetics
Classification: Likely benign. Last evaluated: 2024-05-13. Review status: criteria provided, single submitter. Criteria: ACMG Guidelines, 2015. Collection method: clinical testing. Allele origin: germline.

CeGaT Center for Human Genetics Tuebingen
Classification: Likely benign. Last evaluated: 2023-07-01. Review status: criteria provided, single submitter. Criteria: CeGaT Center For Human Genetics Tuebingen Variant Classification Criteria Version 2. Collection method: clinical testing. Allele origin: germline. Affected: yes. Observed: 1 variant allele.
Comment: GRHL2: BP4

NM_024915.4(GRHL2):c.679-4G>T

Gene: GRHL2 (grainyhead like transcription factor 2; plus strand). Cytogenetic location: 8q22.3.
Variant type: single nucleotide variant.
Coding change: c.679-4G>T on transcript NM_024915.4 (MANE Select); 4 bases into the intron before coding-DNA position 679, G replaced by T.
Molecular consequence: intron variant.
Genome position (GRCh38, 1-based): chr8:101,570,335, G>T. VCF-style: chr8-101570335-G-T. GRCh37 (hg19) VCF-style: chr8-102582563-G-T.
Other names: c.631-4G>T (NM_001330593.2).
Identifiers: ClinVar variation 2579054 (VCV002579054.26), dbSNP rs368059598, ClinGen allele CA4830353.